The following is an entry in ClinVar:

ClinVar aggregate classification (germline): Uncertain significance. Review status: criteria provided, multiple submitters, no conflicts (2 of 4 stars). 3 submissions from 3 submitters: Uncertain significance (3). Last evaluated 2025-04-02.

Conditions:
Cardiovascular phenotype. Identifiers: MedGen CN230736.
Hypertrophic cardiomyopathy 17. Identifiers: MedGen C3151264, MONDO:0013474, OMIM 613873.
Cardiomyopathy, dilated, 2E. Identifiers: MedGen C5561970, MONDO:0030366, OMIM 619492.
Hypertrophic cardiomyopathy. Also called: HYPERTROPHIC MYOCARDIOPATHY. Identifiers: Orphanet 217569, MedGen C0007194, MeSH D002312, MONDO:0005045, HP:0001639.

Allele frequency attached by ClinVar (database versions not stated): gnomAD exomes 0.00001; ExAC 0.00002.

Submissions (3):

Ambry Genetics
Classification: Uncertain significance for Cardiovascular phenotype. Last evaluated: 2025-04-02. Review status: criteria provided, single submitter. Criteria: Ambry Variant Classification Scheme 2023. Collection method: clinical testing. Allele origin: germline.
Comment: The p.R93C variant (also known as c.277C>T), located in coding exon 1 of the JPH2 gene, results from a C to T substitution at nucleotide position 277. The arginine at codon 93 is replaced by cysteine, an amino acid with highly dissimilar properties. This amino acid position is highly conserved in available vertebrate species. In addition, the in silico prediction for this alteration is inconclusive. Since supporting evidence is limited at this time, the clinical significance of this alteration remains unclear.

Labcorp Genetics (formerly Invitae), Labcorp
Classification: Uncertain significance for Hypertrophic cardiomyopathy. Last evaluated: 2021-11-09. Review status: criteria provided, single submitter. Criteria: Invitae Variant Classification Sherloc (09022015). Collection method: clinical testing. Allele origin: germline.
Comment: This sequence change replaces arginine, which is basic and polar, with cysteine, which is neutral and slightly polar, at codon 93 of the JPH2 protein (p.Arg93Cys). This variant is present in population databases (rs747893109, gnomAD 0.006%). This variant has not been reported in the literature in individuals affected with JPH2-related conditions. Algorithms developed to predict the effect of missense changes on protein structure and function (SIFT, PolyPhen-2, Align-GVGD) all suggest that this variant is likely to be disruptive. In summary, the available evidence is currently insufficient to determine the role of this variant in disease. Therefore, it has been classified as a Variant of Uncertain Significance.

Fulgent Genetics
Classification: Uncertain significance for Hypertrophic cardiomyopathy 17; Cardiomyopathy, dilated, 2E. Last evaluated: 2021-08-24. Review status: criteria provided, single submitter. Criteria: ACMG Guidelines, 2015. Collection method: clinical testing. Allele origin: unknown.

NM_020433.5(JPH2):c.277C>T (p.Arg93Cys)

Gene: JPH2 (junctophilin 2; minus strand). Cytogenetic location: 20q13.12.
Variant type: single nucleotide variant.
Coding change: c.277C>T on transcript NM_020433.5 (MANE Select); coding-DNA position 277, C replaced by T.
Protein change: p.Arg93Cys; replaces arginine 93 with cysteine.
Molecular consequence: missense variant.
Genome position (GRCh38, 1-based): chr20:44,186,429, G>A on the plus strand (C>T on the coding strand, the complement: JPH2 is on the minus strand). VCF-style: chr20-44186429-G-A. GRCh37 (hg19) VCF-style: chr20-42815069-G-A.
Other names: c.277C>T, p.Arg93Cys (NM_175913.4); short protein forms R93C.
Identifiers: ClinVar variation 1407323 (VCV001407323.11), dbSNP rs747893109, ClinGen allele CA9868900.